The following is an entry in ClinVar:

NM_016203.4(PRKAG2):c.717A>C (p.Glu239Asp)

Genes: PRKAG2 (protein kinase AMP-activated non-catalytic subunit gamma 2; minus strand), LOC129999660 (ATAC-STARR-seq lymphoblastoid silent region 18823; plus strand). Cytogenetic location: 7q36.1.
Variant type: single nucleotide variant.
Coding change: c.717A>C on transcript NM_016203.4 (MANE Select); coding-DNA position 717, A replaced by C.
Protein change: p.Glu239Asp; replaces glutamic acid 239 with aspartic acid.
Molecular consequence: missense variant. On other transcripts: 5 prime UTR variant (2).
Genome position (GRCh38, 1-based): chr7:151,632,106, T>G on the plus strand (A>C on the coding strand, the complement: PRKAG2 is on the minus strand). VCF-style: chr7-151632106-T-G. GRCh37 (hg19) VCF-style: chr7-151329192-T-G.
Other names: c.585A>C, p.Glu195Asp (NM_001040633.2, NM_001407024.1, NM_001407026.1 and 1 more transcripts); c.345A>C, p.Glu115Asp (NM_001304527.2, NM_001363698.2, NM_001407028.1 and 1 more transcripts); c.-7A>C (NM_001304531.2, NM_001407034.1, NM_001407035.1 and 4 more transcripts); c.717A>C, p.Glu239Asp (NM_001407021.1, NM_001407022.1, NM_001407023.1); c.399A>C, p.Glu133Asp (NM_001407032.1); c.393A>C, p.Glu131Asp (NM_001407033.1); c.45A>C, p.Glu15Asp (NM_001407038.1); short protein forms E131D, E15D, E195D, E115D, E239D, E133D.
Identifiers: ClinVar variation 1757499 (VCV001757499.5), dbSNP rs918000213, ClinGen allele CA169171325.

ClinVar aggregate classification (germline): Uncertain significance. Review status: criteria provided, multiple submitters, no conflicts (2 of 4 stars). 2 submissions from 2 submitters: Uncertain significance (2). Last evaluated 2023-12-18.

Conditions:
Cardiovascular phenotype. Identifiers: MedGen CN230736.
Lethal congenital glycogen storage disease of heart. Also called: GLYCOGEN STORAGE DISEASE OF HEART; PHOSPHORYLASE KINASE DEFICIENCY OF HEART. Identifiers: Orphanet 439854, MedGen C1849813, MONDO:0009867, OMIM 261740.

Allele frequency attached by ClinVar (database versions not stated): TOPMed below 0.00001; gnomAD exomes 0.00001.
gnomAD v4.1: 3 of 1,410,414 alleles (0.00021%); highest among the groups gnomAD compares: Admixed American, 0.0064%; no homozygotes.

Submissions (2):

Labcorp Genetics (formerly Invitae), Labcorp
Classification: Uncertain significance for Lethal congenital glycogen storage disease of heart. Last evaluated: 2023-12-18. Review status: criteria provided, single submitter. Criteria: Invitae Variant Classification Sherloc (09022015). Collection method: clinical testing. Allele origin: germline.
Comment: This sequence change replaces glutamic acid, which is acidic and polar, with aspartic acid, which is acidic and polar, at codon 239 of the PRKAG2 protein (p.Glu239Asp). This variant is present in population databases (no rsID available, gnomAD 0.01%). This variant has not been reported in the literature in individuals affected with PRKAG2-related conditions. ClinVar contains an entry for this variant (Variation ID: 1757499). Advanced modeling of protein sequence and biophysical properties (such as structural, functional, and spatial information, amino acid conservation, physicochemical variation, residue mobility, and thermodynamic stability) has been performed at Invitae for this missense variant, however the output from this modeling did not meet the statistical confidence thresholds required to predict the impact of this variant on PRKAG2 protein function. In summary, the available evidence is currently insufficient to determine the role of this variant in disease. Therefore, it has been classified as a Variant of Uncertain Significance.

Ambry Genetics
Classification: Uncertain significance for Cardiovascular phenotype. Last evaluated: 2019-09-09. Review status: criteria provided, single submitter. Criteria: Ambry Variant Classification Scheme 2023. Collection method: clinical testing. Allele origin: germline.
Comment: The p.E239D variant (also known as c.717A>C), located in coding exon 5 of the PRKAG2 gene, results from an A to C substitution at nucleotide position 717. The glutamic acid at codon 239 is replaced by aspartic acid, an amino acid with highly similar properties. This amino acid position is conserved on limited sequence alignment. In addition, this alteration is predicted to be tolerated by in silico analysis. Since supporting evidence is limited at this time, the clinical significance of this alteration remains unclear.